The following is an entry in ClinVar:

NM_030930.4(UNC93B1):c.393G>A (p.Arg131=)

Gene: UNC93B1 (unc-93B1 regulator of TLR signaling; minus strand). Cytogenetic location: 11q13.2.
Variant type: single nucleotide variant.
Coding change: c.393G>A on transcript NM_030930.4 (MANE Select); coding-DNA position 393, G replaced by A.
Protein change: p.Arg131=; no amino-acid change (arginine 131 retained).
Molecular consequence: synonymous variant.
Genome position (GRCh38, 1-based): chr11:67,999,680, C>T on the plus strand (G>A on the coding strand, the complement: UNC93B1 is on the minus strand). VCF-style: chr11-67999680-C-T. GRCh37 (hg19) VCF-style: chr11-67767150-C-T.
Identifiers: ClinVar variation 2180353 (VCV002180353.4), dbSNP rs1857013261, ClinGen allele CA475450232.
Genomic context (GRCh38, chr11:67,999,680, plus strand): 5'-GGAGACAAAGAGGGCGTAGATGCCCACAGCGAGGAACATCATCCACTTCGTTCCAAAAAA[C>T]CTGCGGACAGTGGGAGAGATGCTGGCACCACAGGCCTGCTGGACCACTGTGGCCTGAAGC-3'
Protein context (NP_112192.2, residues 121-141): AALLYTPVLI[Arg131=]FFGTKWMMFL

ClinVar aggregate classification (germline): Uncertain significance (1 of 4 stars; one submission).

Conditions:
Encephalopathy, acute, infection-induced (herpes-specific), susceptibility to, 1. Also called: Herpes simplex encephalitis, susceptibility to, 1. Identifiers: Orphanet 1930, MedGen C2750180, MONDO:0024563, OMIM 610551.

Allele frequency attached by ClinVar (database versions not stated): gnomAD exomes below 0.00001; TOPMed 0.00001.

Submission:

Labcorp Genetics (formerly Invitae), Labcorp
Classification: Uncertain significance for Encephalopathy, acute, infection-induced (herpes-specific), susceptibility to, 1. Last evaluated: 2023-07-18. Review status: criteria provided, single submitter. Criteria: Invitae Variant Classification Sherloc (09022015). Collection method: clinical testing. Allele origin: germline.
Comment: This variant is not present in population databases (gnomAD no frequency). In summary, the available evidence is currently insufficient to determine the role of this variant in disease. Therefore, it has been classified as a Variant of Uncertain Significance. Algorithms developed to predict the effect of sequence changes on RNA splicing suggest that this variant is not likely to affect RNA splicing. ClinVar contains an entry for this variant (Variation ID: 2180353). This variant has not been reported in the literature in individuals affected with UNC93B1-related conditions. This sequence change affects codon 131 of the UNC93B1 mRNA. It is a 'silent' change, meaning that it does not change the encoded amino acid sequence of the UNC93B1 protein. It affects a nucleotide within the consensus splice site.